The following is an entry in ClinVar:

NM_003011.4(SET):c.660C>T (p.Tyr220=)

Gene: SET (SET nuclear proto-oncogene; plus strand). Cytogenetic location: 9q34.11.
Variant type: single nucleotide variant.
Coding change: c.660C>T on transcript NM_003011.4 (MANE Select); coding-DNA position 660, C replaced by T.
Protein change: p.Tyr220=; no amino-acid change (tyrosine 220 retained).
Molecular consequence: synonymous variant.
Genome position (GRCh38, 1-based): chr9:128,693,805, C>T. VCF-style: chr9-128693805-C-T. GRCh37 (hg19) VCF-style: chr9-131456084-C-T.
Other names: c.699C>T, p.Tyr233= (NM_001122821.2, NM_001374326.1); c.633C>T, p.Tyr211= (NM_001248000.2); c.627C>T, p.Tyr209= (NM_001248001.2).
Identifiers: ClinVar variation 3025775 (VCV003025775.22), dbSNP rs1207062765, ClinGen allele CA467485794.

ClinVar aggregate classification (germline): Likely benign. Review status: criteria provided, multiple submitters, no conflicts (2 of 4 stars). 2 submissions from 2 submitters: Likely benign (2). Last evaluated 2024-04-24.

Allele frequency attached by ClinVar (database versions not stated): gnomAD exomes below 0.00001; TOPMed below 0.00001.

Submissions (2):

Women's Health and Genetics/Laboratory Corporation of America, LabCorp
Classification: Likely benign. Last evaluated: 2024-04-24. Review status: criteria provided, single submitter. Criteria: LabCorp Variant Classification Summary - May 2015. Collection method: clinical testing. Allele origin: germline.
Comment: Variant summary: SET c.699C>T alters a non-conserved nucleotide resulting in a synonymous change. Consensus agreement among computation tools predict no significant impact on normal splicing. However, these predictions have yet to be confirmed by functional studies. The variant allele was found at a frequency of 4e-06 in 249784 control chromosomes. The available data on variant occurrences in the general population are insufficient to allow any conclusion about variant significance. To our knowledge, no occurrence of c.699C>T in individuals affected with Intellectual Disability, Autosomal Dominant 58 and no experimental evidence demonstrating its impact on protein function have been reported. No submitters have cited clinical-significance assessments for this variant to ClinVar. Based on the evidence outlined above, the variant was classified as likely benign.

CeGaT Center for Human Genetics Tuebingen
Classification: Likely benign. Last evaluated: 2023-12-01. Review status: criteria provided, single submitter. Criteria: CeGaT Center For Human Genetics Tuebingen Variant Classification Criteria Version 2. Collection method: clinical testing. Allele origin: germline. Affected: yes. Observed: 1 variant allele.
Comment: SET: BP4, BP7